The following is an entry in ClinVar:

ClinVar aggregate classification (germline): Uncertain significance (1 of 4 stars; one submission).

Conditions:
Osteogenesis imperfecta type I (OI1). Also called: OI, TYPE I; OSTEOGENESIS IMPERFECTA TARDA; OSTEOGENESIS IMPERFECTA WITH BLUE SCLERAE; Osteogenesis imperfecta type 1; Classic Non-deforming Osteogenesis Imperfecta with Blue Sclerae; Lobstein's Disease. Identifiers: Orphanet 216796, Orphanet 666, MedGen C0023931, MONDO:0008146, OMIM 166200. Disease mechanism: loss of function.
Ehlers-Danlos syndrome, classic type, 1 (EDSCL1). Also called: EHLERS-DANLOS SYNDROME, GRAVIS TYPE; EHLERS-DANLOS SYNDROME, SEVERE CLASSIC TYPE; EDS I; Ehlers-Danlos Syndrome, Classic Type, COL5A1-Related; Ehlers-Danlos syndrome, type 1. Identifiers: MedGen C0268335, MONDO:0019567, OMIM 130000.

Allele frequency attached by ClinVar (database versions not stated): gnomAD exomes below 0.00001; TOPMed 0.00002.
gnomAD v4.1: 4 of 1,583,230 alleles (0.00025%); highest among the groups gnomAD compares: Non-Finnish European, 0.00026%; no homozygotes.

Submission:

Labcorp Genetics (formerly Invitae), Labcorp
Classification: Uncertain significance for Osteogenesis imperfecta type I; Ehlers-Danlos syndrome, classic type, 1. Last evaluated: 2021-01-12. Review status: criteria provided, single submitter. Criteria: Invitae Variant Classification Sherloc (09022015). Collection method: clinical testing. Allele origin: germline.
Comment: In summary, the available evidence is currently insufficient to determine the role of this variant in disease. Therefore, it has been classified as a Variant of Uncertain Significance. Algorithms developed to predict the effect of missense changes on protein structure and function are either unavailable or do not agree on the potential impact of this missense change (SIFT: "Deleterious"; PolyPhen-2: "Possibly Damaging"; Align-GVGD: "Class C0"). This variant has not been reported in the literature in individuals with COL1A2-related conditions. This variant is not present in population databases (ExAC no frequency). This sequence change replaces methionine with lysine at codon 447 of the COL1A2 protein (p.Met447Lys). The methionine residue is moderately conserved and there is a moderate physicochemical difference between methionine and lysine.

NM_000089.4(COL1A2):c.1340T>A (p.Met447Lys)

Gene: COL1A2 (collagen type I alpha 2 chain; plus strand). Cytogenetic location: 7q21.3.
Variant type: single nucleotide variant.
Coding change: c.1340T>A on transcript NM_000089.4 (MANE Select); coding-DNA position 1340, T replaced by A.
Protein change: p.Met447Lys; replaces methionine 447 with lysine.
Molecular consequence: missense variant.
Genome position (GRCh38, 1-based): chr7:94,411,144, T>A. VCF-style: chr7-94411144-T-A. GRCh37 (hg19) VCF-style: chr7-94040456-T-A.
Other names: short protein forms M447K.
Identifiers: ClinVar variation 969770 (VCV000969770.11), dbSNP rs1446399667, ClinGen allele CA368221645.